The following is an entry in ClinVar:

ClinVar aggregate classification (germline): Uncertain significance. Review status: criteria provided, multiple submitters, no conflicts (2 of 4 stars). 3 submissions from 3 submitters: Uncertain significance (3). Last evaluated 2025-10-07.

Conditions:
Cardiomyopathy (CMYO). Also called: Cardiomyopathies. Identifiers: Orphanet 167848, MedGen C0878544, MONDO:0004994, HP:0001638. Inheritance: Various modes of inheritance.
Catecholaminergic polymorphic ventricular tachycardia 1. Also called: VENTRICULAR TACHYCARDIA, CATECHOLAMINERGIC POLYMORPHIC, 1, WITH OR WITHOUT ATRIAL DYSFUNCTION AND/OR DILATED CARDIOMYOPATHY; RYR2-Related Catecholaminergic Polymorphic Ventricular Tachycardia; VENTRICULAR TACHYCARDIA, STRESS-INDUCED POLYMORPHIC 1. Identifiers: Orphanet 3286, MedGen C1631597, MONDO:0011484, OMIM 604772.

Allele frequency attached by ClinVar (database versions not stated): gnomAD exomes below 0.00001; TOPMed below 0.00001.
gnomAD v4.1: 4 of 1,605,876 alleles (0.00025%); highest among the groups gnomAD compares: South Asian, 0.0045%; no homozygotes.

Submissions (3):

Color Diagnostics, LLC DBA Color Health
Classification: Uncertain significance for Cardiomyopathy. Last evaluated: 2025-10-07. Review status: criteria provided, single submitter. Criteria: ACMG Guidelines, 2015. Collection method: clinical testing. Allele origin: germline.
Comment: This missense variant replaces aspartic acid with asparagine at codon 434 of the RYR2 protein. Computational prediction suggests that this variant may not impact protein structure and function. To our knowledge, functional studies have not been reported for this variant. This variant has not been reported in individuals affected with RYR2-related disorders in the literature. This variant has been identified in 4/1453588 chromosomes in the general population by the Genome Aggregation Database (gnomAD). The available evidence is insufficient to determine the role of this variant in disease conclusively. Therefore, this variant is classified as a Variant of Uncertain Significance.

Women's Health and Genetics/Laboratory Corporation of America, LabCorp
Classification: Uncertain significance. Last evaluated: 2025-09-15. Review status: criteria provided, single submitter. Criteria: LabCorp Variant Classification Summary - May 2015. Collection method: clinical testing. Allele origin: germline.

Labcorp Genetics (formerly Invitae), Labcorp
Classification: Uncertain significance for Catecholaminergic polymorphic ventricular tachycardia 1. Last evaluated: 2021-08-26. Review status: criteria provided, single submitter. Criteria: Invitae Variant Classification Sherloc (09022015). Collection method: clinical testing. Allele origin: germline.
Comment: This sequence change replaces aspartic acid with asparagine at codon 434 of the RYR2 protein (p.Asp434Asn). The aspartic acid residue is highly conserved and there is a small physicochemical difference between aspartic acid and asparagine. This variant is not present in population databases (ExAC no frequency). This variant has not been reported in the literature in individuals affected with RYR2-related conditions. Algorithms developed to predict the effect of missense changes on protein structure and function are either unavailable or do not agree on the potential impact of this missense change (SIFT: "Deleterious"; PolyPhen-2: "Probably Damaging"; Align-GVGD: "Class C0"). In summary, the available evidence is currently insufficient to determine the role of this variant in disease. Therefore, it has been classified as a Variant of Uncertain Significance.

NM_001035.3(RYR2):c.1300G>A (p.Asp434Asn)

Gene: RYR2 (ryanodine receptor 2; plus strand). Cytogenetic location: 1q43.
Variant type: single nucleotide variant.
Coding change: c.1300G>A on transcript NM_001035.3 (MANE Select); coding-DNA position 1300, G replaced by A.
Protein change: p.Asp434Asn; replaces aspartic acid 434 with asparagine.
Molecular consequence: missense variant.
Genome position (GRCh38, 1-based): chr1:237,454,398, G>A. VCF-style: chr1-237454398-G-A. GRCh37 (hg19) VCF-style: chr1-237617698-G-A.
Other names: short protein forms D434N.
Identifiers: ClinVar variation 918352 (VCV000918352.13), dbSNP rs1658551806, ClinGen allele CA345379828.
Genomic context (GRCh38, chr1:237,454,398, plus strand): 5'-ATGATAAAATTGTGAATCACTGACAATAGAGAAATGTTTATGGTTTATTTTAGGGGCCTT[G>A]ATGCTCTCAGCAAGAAAGCGAAGGCTTCCACAGTCGATTTGCCTATAGAGTCCGTAAGCC-3'
Protein context (NP_001026.2, residues 424-444): FLFNRFIRGL[Asp434Asn]ALSKKAKAST